The following is an entry in ClinVar:

NM_182961.4(SYNE1):c.16880T>C (p.Leu5627Pro)

Genes: SYNE1 (spectrin repeat containing nuclear envelope protein 1; minus strand), LOC126859837 (BRD4-independent group 4 enhancer GRCh37_chr6:152630775-152631974; plus strand). Cytogenetic location: 6q25.2.
Variant type: single nucleotide variant.
Coding change: c.16880T>C on transcript NM_182961.4 (MANE Select); coding-DNA position 16880, T replaced by C.
Protein change: p.Leu5627Pro; replaces leucine 5627 with proline.
Molecular consequence: missense variant.
Genome position (GRCh38, 1-based): chr6:152,310,704, A>G on the plus strand (T>C on the coding strand, the complement: SYNE1 is on the minus strand). VCF-style: chr6-152310704-A-G. GRCh37 (hg19) VCF-style: chr6-152631839-A-G.
Other names: c.16667T>C, p.Leu5556Pro (NM_033071.5); short protein forms L5556P, L5627P.
Identifiers: ClinVar variation 1299477 (VCV001299477.1), dbSNP rs2153836967, ClinGen allele CA366107747.

ClinVar aggregate classification (germline): Uncertain significance (1 of 4 stars; one submission).

Conditions:
Autosomal recessive ataxia, Beauce type. Also called: Spinocerebellar ataxia, autosomal recessive 8; ATAXIA, RECESSIVE, OF BEAUCE; SYNE1 Deficiency; SYNE1-Related Autosomal Recessive Cerebellar Ataxia. Identifiers: Orphanet 88644, MedGen C1853116, MONDO:0012549, OMIM 610743.

Submission:

Breda Genetics srl
Classification: Uncertain significance for Autosomal recessive ataxia, Beauce type. Last evaluated: 2021-06-24. Review status: criteria provided, single submitter. Criteria: ACMG Guidelines, 2015. Collection method: clinical testing. Allele origin: germline. Inheritance: Autosomal recessive inheritance. Affected: yes. Observed: 1 variant allele, 1 heterozygote.
Comment: Based on allele frequency, in-silico prediction scores and a certain overlap with the clinical phenotype, we interpreted this variant at least as of uncertain significance. The lack of one or more of the following features has discouraged further investigations: lack of a possible second hit in autosomal recessive conditions, presence of healthy controls in databases for autosomal dominant conditions, presence of unmatching cardinal clinical features in the patient or in the known gene-disease association, and/or variant type outside the known gene mutational spectrum.